The following is an entry in ClinVar:

NM_020547.3(AMHR2):c.1106del (p.Pro369fs)

Gene: AMHR2 (anti-Mullerian hormone receptor type 2; plus strand). Cytogenetic location: 12q13.13.
Variant type: Deletion.
Coding change: c.1106del on transcript NM_020547.3 (MANE Select); coding-DNA position 1106, one base deleted (C; older notation c.1106delC).
Protein change: p.Pro369fs; shifts the reading frame from proline 369.
Molecular consequence: frameshift variant.
Genome position (GRCh38, 1-based): chr12:53,429,591, C deleted; the last of 4 consecutive C bases (chr12:53,429,588-53,429,591); deleting any one gives the same sequence. VCF-style (leftmost placement, unchanged base first): chr12-53429587-AC-A. GRCh37 (hg19) VCF-style: chr12-53823371-AC-A.
Other names: c.1106del, p.Pro369fs (NM_001164690.2, NM_001164691.2); short protein forms P369fs.
Identifiers: ClinVar variation 3621532 (VCV003621532.1).
Genomic context (GRCh38, chr12:53,429,587, plus strand): 5'-GCCATTGGAGACCTGGGCCTTGCCTTGGTGCTCCCTGGCCTCACTCAGCCCCCTGCCTGG[AC>A]CCCTACTCAACCACAAGGCCCAGCTGCCATCATGGAAGTGAGTTCTCTGGATAACTGGTG-3'

ClinVar aggregate classification (germline): Pathogenic (1 of 4 stars; one submission).

Submission:

Labcorp Genetics (formerly Invitae), Labcorp
Classification: Pathogenic. Last evaluated: 2024-05-28. Review status: criteria provided, single submitter. Criteria: Invitae Variant Classification Sherloc (09022015). Collection method: clinical testing. Allele origin: germline.
Comment: This sequence change creates a premature translational stop signal (p.Pro369Leufs*53) in the AMHR2 gene. It is expected to result in an absent or disrupted protein product. Loss-of-function variants in AMHR2 are known to be pathogenic (PMID: 8872466, 28094762, 28528332). This variant is not present in population databases (gnomAD no frequency). This variant has not been reported in the literature in individuals affected with AMHR2-related conditions. For these reasons, this variant has been classified as Pathogenic.

Literature cited by the submitters: PubMed 8872466; PubMed 28094762; PubMed 28528332.